The following is an entry in ClinVar:

ClinVar aggregate classification (germline): Pathogenic. Review status: reviewed by expert panel (3 of 4 stars). 2 submissions from 2 submitters: Pathogenic (1). 1 of the submissions does not count toward it. Last evaluated 2016-09-08.

Conditions:
Breast-ovarian cancer, familial, susceptibility to, 2 (BROVCA2). Also called: BRCA2 Hereditary Breast and Ovarian Cancer. Identifiers: Orphanet 145, MedGen C2675520, MONDO:0012933, OMIM 612555. Disease mechanism: loss of function.

Submissions (2):

Evidence-based Network for the Interpretation of Germline Mutant Alleles (ENIGMA)
Classification: Pathogenic for Breast-ovarian cancer, familial, susceptibility to, 2. Last evaluated: 2016-09-08. Review status: reviewed by expert panel. Criteria: ENIGMA BRCA1/2 Classification Criteria (2015). Collection method: curation. Allele origin: germline.
Comment: Variant allele predicted to encode a truncated non-functional protein.

GeneDx
Classification: Pathogenic. Last evaluated: 2015-02-16. Review status: criteria provided, single submitter. Criteria: GeneDx Variant Classification (06012015). Collection method: clinical testing. Allele origin: germline. Affected: yes. Not counted in ClinVar's aggregate classification.
Comment: This duplication of 4 nucleotides is denoted BRCA2 c.670_673dupGATA at the cDNA level and p.Thr225ArgfsX5 (T225RfsX5) at the protein level. The normal sequence, with the bases that are duplicated in brackets, is TCAT[GATA]CTAC. The duplication causes a frameshift, which changes a Threonine to an Arginine at codon 225, and creates a premature stop codon at position 5 of the new reading frame. Although this variant has not, to our knowledge, been reported in the literature, it is predicted to cause loss of normal protein function through either protein truncation or nonsense-mediated mRNA decay. BRCA2 c.670_673dupGATA, also known as c.898_901dupGATA using alternate nomenclature, is considered to be pathogenic.

NM_000059.4(BRCA2):c.670_673dup (p.Thr225fs)

Gene: BRCA2 (BRCA2 DNA repair associated; plus strand). Cytogenetic location: 13q13.1.
Variant type: Duplication.
Coding change: c.670_673dup on transcript NM_000059.4 (MANE Select); coding-DNA positions 670 to 673, 4 bases duplicated (GATA; older notation c.670_673dupGATA).
Protein change: p.Thr225fs; shifts the reading frame from threonine 225.
Molecular consequence: frameshift variant.
Genome position (GRCh38, 1-based): chr13:32,329,481-32,329,484, GATA duplicated. VCF-style (leftmost placement, unchanged base first): chr13-32329480-T-TGATA. GRCh37 (hg19) VCF-style: chr13-32903617-T-TGATA.
Other names: c.670_673dupGATA (NM_000059.3); short protein forms T225fs.
Identifiers: ClinVar variation 182307 (VCV000182307.6), dbSNP rs730881601, ClinGen allele CA024350.
Genomic context (GRCh38, chr13:32,329,480, plus strand): 5'-ACACATAAATTTTTATCTTACAGTCAGAAATGAAGAAGCATCTGAAACTGTATTTCCTCA[T>TGATA]GATACTACTGCTGTAAGTAAATATGACATTGATTAGACTGTTGAAATTGCTAACAATTTT-3'